The following is an entry in ClinVar:

NM_004006.3(DMD):c.4943T>C (p.Leu1648Ser)

Gene: DMD (dystrophin; minus strand). Cytogenetic location: Xp21.1.
Variant type: single nucleotide variant.
Coding change: c.4943T>C on transcript NM_004006.3 (MANE Select); coding-DNA position 4943, T replaced by C.
Protein change: p.Leu1648Ser; replaces leucine 1648 with serine.
Molecular consequence: missense variant.
Genome position (GRCh38, 1-based): chrX:32,365,102, A>G on the plus strand (T>C on the coding strand, the complement: DMD is on the minus strand). VCF-style: chrX-32365102-A-G. GRCh37 (hg19) VCF-style: chrX-32383219-A-G.
Other names: c.4919T>C, p.Leu1640Ser (NM_000109.4); c.4931T>C, p.Leu1644Ser (NM_004009.3); c.4574T>C, p.Leu1525Ser (NM_004010.3); c.920T>C, p.Leu307Ser (NM_004011.4); c.911T>C, p.Leu304Ser (NM_004012.4); short protein forms L304S, L1640S, L1525S, L1648S, L1644S, L307S.
Identifiers: ClinVar variation 3688019 (VCV003688019.2).

ClinVar aggregate classification (germline): Uncertain significance (1 of 4 stars; one submission).

Conditions:
Duchenne muscular dystrophy (DMD). Also called: MUSCULAR DYSTROPHY, PSEUDOHYPERTROPHIC PROGRESSIVE, DUCHENNE TYPE; Duchenne Muscular Dystrophy (DMD). Identifiers: Orphanet 98896, MedGen C0013264, MONDO:0010679, OMIM 310200.

Submission:

Labcorp Genetics (formerly Invitae), Labcorp
Classification: Uncertain significance for Duchenne muscular dystrophy. Last evaluated: 2024-05-15. Review status: criteria provided, single submitter. Criteria: Invitae Variant Classification Sherloc (09022015). Collection method: clinical testing. Allele origin: germline.
Comment: This sequence change replaces leucine, which is neutral and non-polar, with serine, which is neutral and polar, at codon 1648 of the DMD protein (p.Leu1648Ser). This variant is not present in population databases (gnomAD no frequency). This variant has not been reported in the literature in individuals affected with DMD-related conditions. Advanced modeling of protein sequence and biophysical properties (such as structural, functional, and spatial information, amino acid conservation, physicochemical variation, residue mobility, and thermodynamic stability) performed at Invitae indicates that this missense variant is not expected to disrupt DMD protein function with a negative predictive value of 95%. In summary, the available evidence is currently insufficient to determine the role of this variant in disease. Therefore, it has been classified as a Variant of Uncertain Significance.